The following is an entry in ClinVar:

NM_007294.4(BRCA1):c.1943A>G (p.Glu648Gly)

Gene: BRCA1 (BRCA1 DNA repair associated; minus strand). Cytogenetic location: 17q21.31.
Variant type: single nucleotide variant.
Coding change: c.1943A>G on transcript NM_007294.4 (MANE Select); coding-DNA position 1943, A replaced by G.
Protein change: p.Glu648Gly; replaces glutamic acid 648 with glycine.
Molecular consequence: missense variant. On other transcripts: intron variant (137).
Genome position (GRCh38, 1-based): chr17:43,093,588, T>C on the plus strand (A>G on the coding strand, the complement: BRCA1 is on the minus strand). VCF-style: chr17-43093588-T-C. GRCh37 (hg19) VCF-style: chr17-41245605-T-C.
Other names: c.1730A>G, p.Glu577Gly (NM_001407571.1, NM_001407853.1, NM_001407894.1 and 9 more transcripts); c.1943A>G, p.Glu648Gly (NM_001407581.1, NM_001407582.1, NM_001407583.1 and 30 more transcripts); c.1940A>G, p.Glu647Gly (NM_001407587.1, NM_001407590.1, NM_001407591.1 and 22 more transcripts); c.1934A>G, p.Glu645Gly (NM_001407646.1, NM_001407647.1); c.1820A>G, p.Glu607Gly (NM_001407648.1, NM_001407664.1, NM_001407665.1 and 19 more transcripts); c.1817A>G, p.Glu606Gly (NM_001407649.1, NM_001407670.1, NM_001407671.1 and 11 more transcripts); c.1865A>G, p.Glu622Gly (NM_001407653.1, NM_001407654.1, NM_001407655.1 and 4 more transcripts); c.1862A>G, p.Glu621Gly (NM_001407659.1, NM_001407660.1, NM_001407661.1 and 1 more transcripts); and 40 more; short protein forms E352G, E537G, E577G, E581G, E645G, E480G, E559G, E560G.
Identifiers: ClinVar variation 2007395 (VCV002007395.6), dbSNP rs2053856640, ClinGen allele CA10598137.

ClinVar aggregate classification (germline): Conflicting classifications of pathogenicity. Review status: criteria provided, conflicting classifications (1 of 4 stars). 2 submissions from 2 submitters: Uncertain significance (1); Likely benign (1). Last evaluated 2023-03-23.

Conditions:
Hereditary cancer-predisposing syndrome. Also called: Tumor predisposition; Neoplastic Syndromes, Hereditary; Hereditary Cancer Syndrome; Hereditary neoplastic syndrome. Identifiers: Orphanet 140162, MedGen C0027672, MeSH D009386, MONDO:0015356.
Hereditary breast ovarian cancer syndrome. Also called: Hereditary breast and ovarian cancer syndrome (HBOC); Hereditary breast and ovarian cancer syndrome; Hereditary breast and ovarian cancer; Breast and ovarian cancer; BRCA1- and BRCA2-Associated Hereditary Breast and Ovarian Cancer; Hereditary breast and/or ovarian cancer syndrome. Identifiers: Orphanet 145, MedGen C0677776, MeSH D061325, MONDO:0003582. Disease mechanism: loss of function.

Allele frequency attached by ClinVar (database versions not stated): TOPMed below 0.00001.

Submissions (2):

University of Washington Department of Laboratory Medicine, University of Washington
Classification: Likely benign for Hereditary cancer-predisposing syndrome. Last evaluated: 2023-03-23. Review status: criteria provided, single submitter. Criteria: Dines et al. (Genet Med. 2020). Collection method: curation. Allele origin: germline.
Comment: Missense variant in a coldspot region where missense variants are very unlikely to be pathogenic (PMID:31911673).

BRCA1 coldspot (exon 11 using historical exon numbering). Reclassification based on statistical prior probability

Labcorp Genetics (formerly Invitae), Labcorp
Classification: Uncertain significance for Hereditary breast ovarian cancer syndrome. Last evaluated: 2022-06-16. Review status: criteria provided, single submitter. Criteria: Invitae Variant Classification Sherloc (09022015). Collection method: clinical testing. Allele origin: germline.
Comment: Algorithms developed to predict the effect of missense changes on protein structure and function are either unavailable or do not agree on the potential impact of this missense change (SIFT: "Tolerated"; PolyPhen-2: "Probably Damaging"; Align-GVGD: "Class C0"). This variant has not been reported in the literature in individuals affected with BRCA1-related conditions. This variant is not present in population databases (gnomAD no frequency). This sequence change replaces glutamic acid, which is acidic and polar, with glycine, which is neutral and non-polar, at codon 648 of the BRCA1 protein (p.Glu648Gly). In summary, the available evidence is currently insufficient to determine the role of this variant in disease. Therefore, it has been classified as a Variant of Uncertain Significance.